The following is an entry in ClinVar:

ClinVar aggregate classification (germline): Uncertain significance (1 of 4 stars; one submission).

Conditions:
Familial thoracic aortic aneurysm and aortic dissection (TAAD). Also called: Thoracic aortic aneurysms and dissections. Identifiers: Orphanet 91387, MedGen C4707243, MONDO:0019625.

Submission:

Ambry Genetics
Classification: Uncertain significance for Familial thoracic aortic aneurysm and aortic dissection. Last evaluated: 2026-01-02. Review status: criteria provided, single submitter. Criteria: Ambry Variant Classification Scheme 2023. Collection method: clinical testing. Allele origin: germline.
Comment: The p.S748A variant (also known as c.2242T>G), located in coding exon 14 of the FLNA gene, results from a T to G substitution at nucleotide position 2242. The serine at codon 748 is replaced by alanine, an amino acid with similar properties. This amino acid position is conserved. In addition, this alteration is predicted to be tolerated by in silico analysis. Based on the available evidence, the clinical significance of this variant remains unclear.

NM_001110556.2(FLNA):c.2242T>G (p.Ser748Ala)

Gene: FLNA (filamin A; minus strand). Cytogenetic location: Xq28.
Variant type: single nucleotide variant.
Coding change: c.2242T>G on transcript NM_001110556.2 (MANE Select); coding-DNA position 2242, T replaced by G.
Protein change: p.Ser748Ala; replaces serine 748 with alanine.
Molecular consequence: missense variant.
Genome position (GRCh38, 1-based): chrX:154,364,060, A>C on the plus strand (T>G on the coding strand, the complement: FLNA is on the minus strand). VCF-style: chrX-154364060-A-C. GRCh37 (hg19) VCF-style: chrX-153592428-A-C.
Other names: c.2242T>G, p.Ser748Ala (NM_001456.4); short protein forms S748A.
Identifiers: ClinVar variation 4842270 (VCV004842270.1).